The following is an entry in ClinVar:

NM_003640.5(ELP1):c.3829dup (p.Thr1277fs)

Gene: ELP1 (elongator acetyltransferase complex subunit 1; minus strand). Cytogenetic location: 9q31.3.
Variant type: Duplication.
Coding change: c.3829dup on transcript NM_003640.5 (MANE Select); coding-DNA position 3829, one base duplicated (A; older notation c.3829dupA).
Protein change: p.Thr1277fs; shifts the reading frame from threonine 1277.
Molecular consequence: frameshift variant.
Genome position (GRCh38, 1-based): chr9:108,878,021, T duplicated on the plus strand (A on the coding strand, the reverse complement: ELP1 is on the minus strand). VCF-style (leftmost placement, unchanged base first): chr9-108878020-G-GT. GRCh37 (hg19) VCF-style: chr9-111640300-G-GT.
Other names: c.3487dup, p.Thr1163fs (NM_001318360.2); c.2782dup, p.Thr928fs (NM_001330749.2); short protein forms T1163fs, T1277fs, T928fs.
Identifiers: ClinVar variation 1961032 (VCV001961032.4), dbSNP rs2537854807, ClinGen allele CA2580079356.

ClinVar aggregate classification (germline): Pathogenic (1 of 4 stars; one submission).

Submission:

Labcorp Genetics (formerly Invitae), Labcorp
Classification: Pathogenic. Last evaluated: 2024-04-24. Review status: criteria provided, single submitter. Criteria: Invitae Variant Classification Sherloc (09022015). Collection method: clinical testing. Allele origin: germline.
Comment: This sequence change creates a premature translational stop signal (p.Thr1277Asnfs*19) in the ELP1 gene. It is expected to result in an absent or disrupted protein product. Loss-of-function variants in ELP1 are known to be pathogenic (PMID: 18303054, 24173031). This variant is not present in population databases (gnomAD no frequency). This variant has not been reported in the literature in individuals affected with ELP1-related conditions. ClinVar contains an entry for this variant (Variation ID: 1961032). For these reasons, this variant has been classified as Pathogenic.

Literature cited by the submitters: PubMed 18303054; PubMed 24173031.